The following is an entry in ClinVar:

ClinVar aggregate classification (germline): Uncertain significance. Review status: criteria provided, multiple submitters, no conflicts (2 of 4 stars). 2 submissions from 2 submitters: Uncertain significance (2). Last evaluated 2022-12-12.

Conditions:
Kleefstra syndrome 1 (KLEFS1). Identifiers: Orphanet 261494, MedGen C0795833, MONDO:0027407, OMIM 610253.

Allele frequency attached by ClinVar (database versions not stated): gnomAD exomes below 0.00001.
gnomAD v4.1: 1 of 1,614,028 alleles (0.000062%); highest among the groups gnomAD compares: Admixed American, 0.0017%; no homozygotes.

Submissions (2):

GeneDx
Classification: Uncertain significance. Last evaluated: 2022-12-12. Review status: criteria provided, single submitter. Criteria: GeneDx Variant Classification Process June 2021. Collection method: clinical testing. Allele origin: germline. Affected: yes.
Comment: Not observed at significant frequency in large population cohorts (gnomAD); In silico analysis supports that this missense variant does not alter protein structure/function; Has not been previously published as pathogenic or benign to our knowledge

Labcorp Genetics (formerly Invitae), Labcorp
Classification: Uncertain significance for Kleefstra syndrome 1. Last evaluated: 2021-11-14. Review status: criteria provided, single submitter. Criteria: Invitae Variant Classification Sherloc (09022015). Collection method: clinical testing. Allele origin: germline.
Comment: This variant is present in population databases (no rsID available, gnomAD 0.003%). This sequence change replaces valine, which is neutral and non-polar, with alanine, which is neutral and non-polar, at codon 558 of the EHMT1 protein (p.Val558Ala). This variant has not been reported in the literature in individuals affected with EHMT1-related conditions. In summary, the available evidence is currently insufficient to determine the role of this variant in disease. Therefore, it has been classified as a Variant of Uncertain Significance. Algorithms developed to predict the effect of missense changes on protein structure and function output the following: SIFT: "Tolerated"; PolyPhen-2: "Benign"; Align-GVGD: "Class C0". The alanine amino acid residue is found in multiple mammalian species, which suggests that this missense change does not adversely affect protein function.

NM_024757.5(EHMT1):c.1673T>C (p.Val558Ala)

Gene: EHMT1 (euchromatic histone lysine methyltransferase 1; plus strand). Cytogenetic location: 9q34.3.
Variant type: single nucleotide variant.
Coding change: c.1673T>C on transcript NM_024757.5 (MANE Select); coding-DNA position 1673, T replaced by C.
Protein change: p.Val558Ala; replaces valine 558 with alanine.
Molecular consequence: missense variant.
Genome position (GRCh38, 1-based): chr9:137,775,134, T>C. VCF-style: chr9-137775134-T-C. GRCh37 (hg19) VCF-style: chr9-140669586-T-C.
Other names: c.1673T>C, p.Val558Ala (NM_001145527.2); c.1580T>C, p.Val527Ala (NM_001354259.2); c.1652T>C, p.Val551Ala (NM_001354263.2); c.1673T>C (NM_024757.4); short protein forms V551A, V527A, V558A.
Identifiers: ClinVar variation 1503745 (VCV001503745.6), dbSNP rs1400394207, ClinGen allele CA375773362.